The following is an entry in ClinVar:

NM_007118.4(TRIO):c.6392C>G (p.Ala2131Gly)

Gene: TRIO (trio Rho guanine nucleotide exchange factor; plus strand). Cytogenetic location: 5p15.2.
Variant type: single nucleotide variant.
Coding change: c.6392C>G on transcript NM_007118.4 (MANE Select); coding-DNA position 6392, C replaced by G.
Protein change: p.Ala2131Gly; replaces alanine 2131 with glycine.
Molecular consequence: missense variant. On other transcripts: non-coding transcript variant (1).
Genome position (GRCh38, 1-based): chr5:14,481,545, C>G. VCF-style: chr5-14481545-C-G. GRCh37 (hg19) VCF-style: chr5-14481654-C-G.
Other names: short protein forms A2131G.
Identifiers: ClinVar variation 3730886 (VCV003730886.2).

ClinVar aggregate classification (germline): Uncertain significance (1 of 4 stars; one submission).

Submission:

GeneDx
Classification: Uncertain significance. Last evaluated: 2026-07-22. Review status: criteria provided, single submitter. Criteria: GeneDx Variant Classification Process June 2021. Collection method: clinical testing. Allele origin: germline.
Comment: Not observed at significant frequency in large population cohorts (gnomAD); In silico analysis supports that this missense variant has a deleterious effect on protein structure/function; Has not been previously published as pathogenic or benign to our knowledge